The following is an entry in ClinVar:

NM_000231.3(SGCG):c.455C>A (p.Thr152Asn)

Gene: SGCG (sarcoglycan gamma; plus strand). Cytogenetic location: 13q12.12.
Variant type: single nucleotide variant.
Coding change: c.455C>A on transcript NM_000231.3 (MANE Select); coding-DNA position 455, C replaced by A.
Protein change: p.Thr152Asn; replaces threonine 152 with asparagine.
Molecular consequence: missense variant.
Genome position (GRCh38, 1-based): chr13:23,279,428, C>A. VCF-style: chr13-23279428-C-A. GRCh37 (hg19) VCF-style: chr13-23853567-C-A.
Other names: c.509C>A, p.Thr170Asn (NM_001378244.1); c.455C>A, p.Thr152Asn (NM_001378245.1, NM_001378246.1); short protein forms T152N, T170N.
Identifiers: ClinVar variation 639756 (VCV000639756.9), dbSNP rs201329880, ClinGen allele CA387504113.

ClinVar aggregate classification (germline): Uncertain significance (1 of 4 stars; one submission).

Conditions:
Autosomal recessive limb-girdle muscular dystrophy type 2C (LGMDR5). Also called: MUSCULAR DYSTROPHY, DUCHENNE-LIKE; MUSCULAR DYSTROPHY, LIMB-GIRDLE, AUTOSOMAL RECESSIVE 5. Identifiers: Orphanet 353, MedGen C0410173, MONDO:0009677, OMIM 253700. Disease mechanism: Affects gamma-sarcoglycan and also disrupts the integrity of the entire sarcoglycan complex..

Submission:

Labcorp Genetics (formerly Invitae), Labcorp
Classification: Uncertain significance for Autosomal recessive limb-girdle muscular dystrophy type 2C. Last evaluated: 2018-10-24. Review status: criteria provided, single submitter. Criteria: Invitae Variant Classification Sherloc (09022015). Collection method: clinical testing. Allele origin: germline.
Comment: In summary, the available evidence is currently insufficient to determine the role of this variant in disease. Therefore, it has been classified as a Variant of Uncertain Significance. Algorithms developed to predict the effect of missense changes on protein structure and function are either unavailable or do not agree on the potential impact of this missense change (SIFT: "Tolerated"; PolyPhen-2: "Possibly Damaging"; Align-GVGD: "Class C0"). This variant has not been reported in the literature in individuals with SGCG-related disease. This variant is not present in population databases (ExAC no frequency). This sequence change replaces threonine with asparagine at codon 152 of the SGCG protein (p.Thr152Asn). The threonine residue is weakly conserved and there is a small physicochemical difference between threonine and asparagine.